The following is an entry in ClinVar:

ClinVar aggregate classification (germline): Uncertain significance. Review status: criteria provided, multiple submitters, no conflicts (2 of 4 stars). 3 submissions from 3 submitters: Uncertain significance (3). Last evaluated 2026-01-01.

Conditions:
Inborn genetic diseases. Identifiers: MedGen C0950123, MeSH D030342.

gnomAD v4.1: 8 of 1,611,134 alleles (0.0005%); highest among the groups gnomAD compares: Middle Eastern, 0.023%; no homozygotes.

Submissions (3):

CeGaT Center for Human Genetics Tuebingen
Classification: Uncertain significance. Last evaluated: 2026-01-01. Review status: criteria provided, single submitter. Criteria: CeGaT Center For Human Genetics Tuebingen Variant Classification Criteria Version 2. Collection method: clinical testing. Allele origin: germline. Affected: yes. Observed: 1 variant allele.
Comment: HERC2: PM2

Blueprint Genetics
Classification: Uncertain significance. Last evaluated: 2024-11-20. Review status: criteria provided, single submitter. Criteria: ACMG Guidelines, 2015. Collection method: clinical testing. Allele origin: germline.

Ambry Genetics
Classification: Uncertain significance for Inborn genetic diseases. Last evaluated: 2024-10-19. Review status: criteria provided, single submitter. Criteria: Ambry Variant Classification Scheme 2023. Collection method: clinical testing. Allele origin: germline.

NM_004667.6(HERC2):c.286T>C (p.Ser96Pro)

Gene: HERC2 (HECT and RLD domain containing E3 ubiquitin protein ligase 2; minus strand). Cytogenetic location: 15q13.1.
Variant type: single nucleotide variant.
Coding change: c.286T>C on transcript NM_004667.6 (MANE Select); coding-DNA position 286, T replaced by C.
Protein change: p.Ser96Pro; replaces serine 96 with proline.
Molecular consequence: missense variant.
Genome position (GRCh38, 1-based): chr15:28,292,924, A>G on the plus strand (T>C on the coding strand, the complement: HERC2 is on the minus strand). VCF-style: chr15-28292924-A-G. GRCh37 (hg19) VCF-style: chr15-28538070-A-G.
Other names: short protein forms S96P.
Identifiers: ClinVar variation 3525180 (VCV003525180.6).